The following is an entry in ClinVar:

ClinVar aggregate classification (germline): Likely benign (1 of 4 stars; one submission).

gnomAD v4.1: 6 of 1,612,790 alleles (0.00037%); highest among the groups gnomAD compares: Non-Finnish European, 0.00051%; no homozygotes.

Submission:

Athena Diagnostics
Classification: Likely benign. Last evaluated: 2025-06-11. Review status: criteria provided, single submitter. Criteria: Athena Diagnostics Criteria. Collection method: clinical testing. Allele origin: unknown.
Comment: Computational tools yielded predictions that this variant is unlikely to have an effect on normal RNA splicing. This nucleotide position exhibits low evolutionary conservation.

NM_198994.3(TGM6):c.1533G>A (p.Leu511=)

Gene: TGM6 (transglutaminase 6; plus strand). Cytogenetic location: 20p13.
Variant type: single nucleotide variant.
Coding change: c.1533G>A on transcript NM_198994.3 (MANE Select); coding-DNA position 1533, G replaced by A.
Protein change: p.Leu511=; no amino-acid change (leucine 511 retained).
Molecular consequence: synonymous variant.
Genome position (GRCh38, 1-based): chr20:2,417,428, G>A. VCF-style: chr20-2417428-G-A. GRCh37 (hg19) VCF-style: chr20-2398074-G-A.
Other names: c.1533G>A, p.Leu511= (NM_001254734.2).
Identifiers: ClinVar variation 4682401 (VCV004682401.1).
Genomic context (GRCh38, chr20:2,417,428, plus strand): 5'-CAAGCCCAGCATCGCTGGCAAGTTCAAGGTGCTAGAGCCTCCCATGCTGGGCCACGACCT[G>A]AGACTGGCCCTGTGCTTGGCCAACCTCACCTCCCGGGCCCAGCGGGTGAGGGTCAACCTG-3'
Protein context (NP_945345.2, residues 501-521): VLEPPMLGHD[Leu511=]RLALCLANLT